The following is an entry in ClinVar:

NM_007294.4(BRCA1):c.5300G>C (p.Cys1767Ser)

Gene: BRCA1 (BRCA1 DNA repair associated; minus strand). Cytogenetic location: 17q21.31.
Variant type: single nucleotide variant.
Coding change: c.5300G>C on transcript NM_007294.4 (MANE Select); coding-DNA position 5300, G replaced by C.
Protein change: p.Cys1767Ser; replaces cysteine 1767 with serine.
Molecular consequence: missense variant. On other transcripts: non-coding transcript variant (1).
Genome position (GRCh38, 1-based): chr17:43,051,095, C>G on the plus strand (G>C on the coding strand, the complement: BRCA1 is on the minus strand). VCF-style: chr17-43051095-C-G. GRCh37 (hg19) VCF-style: chr17-41203112-C-G.
Other names: c.5153G>C, p.Cys1718Ser (NM_001407844.1, NM_001407845.1, NM_001407846.1 and 12 more transcripts); c.5099G>C, p.Cys1700Ser (NM_001407862.1); c.5096G>C, p.Cys1699Ser (NM_001407863.1); c.5093G>C, p.Cys1698Ser (NM_001407874.1, NM_001407875.1); c.5090G>C, p.Cys1697Ser (NM_001407879.1, NM_001407881.1, NM_001407882.1 and 5 more transcripts); c.5087G>C, p.Cys1696Ser (NM_001407902.1, NM_001407904.1, NM_001407906.1 and 12 more transcripts); c.5084G>C, p.Cys1695Ser (NM_001407915.1, NM_001407916.1, NM_001407917.1 and 1 more transcripts); c.5033G>C, p.Cys1678Ser (NM_001407928.1, NM_001407929.1, NM_001407930.1 and 4 more transcripts); and 72 more; short protein forms C1767S, C1788S, C663S, C1720S, C1726S, C1740S, C1763S, C1764S.
Identifiers: ClinVar variation 801087 (VCV000801087.15), dbSNP rs1597804426, ClinGen allele CA10590948.
Genomic context (GRCh38, chr17:43,051,095, plus strand): 5'-GAACTCTGGGGTTCTCCCAGGCTCTTACCTGTGGGCATGTTGGTGAAGGGCCCATAGCAA[C>G]AGATTTCTAGCCCCCTGAAGATCTGGAAGAAGAGAGGAAGAGAGAGGGACAGGGGAATGG-3'
Protein context (NP_009225.1, residues 1757-1777): DRKIFRGLEI[Cys1767Ser]CYGPFTNMPT

ClinVar aggregate classification (germline): Uncertain significance. Review status: criteria provided, multiple submitters, no conflicts (2 of 4 stars). 2 submissions from 2 submitters: Uncertain significance (2). Last evaluated 2021-02-01.

Conditions:
Hereditary breast ovarian cancer syndrome. Also called: BRCA1- and BRCA2-Associated Hereditary Breast and Ovarian Cancer; Hereditary breast and ovarian cancer syndrome (HBOC); Hereditary breast and ovarian cancer syndrome; Breast and ovarian cancer; Hereditary breast and ovarian cancer; Hereditary breast and/or ovarian cancer syndrome. Identifiers: Orphanet 145, MedGen C0677776, MeSH D061325, MONDO:0003582. Disease mechanism: loss of function.

Allele frequency attached by ClinVar (database versions not stated): gnomAD exomes below 0.00001.
gnomAD v4.1: 3 of 1,614,042 alleles (0.00019%); highest among the groups gnomAD compares: Non-Finnish European, 0.00025%; no homozygotes.

Submissions (3):

Labcorp Genetics (formerly Invitae), Labcorp
Classification: Uncertain significance for Hereditary breast ovarian cancer syndrome. Last evaluated: 2021-02-01. Review status: criteria provided, single submitter. Criteria: Invitae Variant Classification Sherloc (09022015). Collection method: clinical testing. Allele origin: germline.
Comment: This sequence change replaces cysteine with serine at codon 1767 of the BRCA1 protein (p.Cys1767Ser). The cysteine residue is highly conserved and there is a moderate physicochemical difference between cysteine and serine. This variant is not present in population databases (ExAC no frequency). This variant has been reported in individuals in the Leiden Open-source Variation Database (PMID: 21520333). This variant has been reported to have conflicting or insufficient data to determine the effect on BRCA1 protein function (PMID: 30209399, 23867111). In summary, the available evidence is currently insufficient to determine the role of this variant in disease. Therefore, it has been classified as a Variant of Uncertain Significance.

Quest Diagnostics Nichols Institute San Juan Capistrano
Classification: Uncertain significance. Last evaluated: 2019-07-19. Review status: criteria provided, single submitter. Criteria: Quest Diagnostics criteria. Collection method: clinical testing. Allele origin: germline.

Brotman Baty Institute, University of Washington
No classification provided (evidence only). Condition: Breast-ovarian cancer, familial 1. Review status: no classification provided. Collection method: in vitro. Allele origin: not applicable. Functional consequence: function_uncertain_variant. Not counted in ClinVar's aggregate classification.
ClinVar note: "not provided" was previously submitted as the classification for the variant. However, the classification appeared to be based only on an observation of functional data so it was converted to no classification on 2025-07-30.

Literature cited by the submitters: PubMed 21520333 (cited by Labcorp Genetics (formerly Invitae), Labcorp); PubMed 30209399 (cited by Labcorp Genetics (formerly Invitae), Labcorp); PubMed 23867111 (cited by Labcorp Genetics (formerly Invitae), Labcorp).